The following is an entry in ClinVar:

ClinVar aggregate classification (germline): Benign/Likely benign. Review status: criteria provided, multiple submitters, no conflicts (2 of 4 stars). 3 submissions from 3 submitters: Benign (1); Likely benign (2). Last evaluated 2025-01-10.

Conditions:
Hereditary cancer-predisposing syndrome. Also called: Neoplastic Syndromes, Hereditary; Tumor predisposition; Hereditary Cancer Syndrome; Hereditary neoplastic syndrome. Identifiers: Orphanet 140162, MedGen C0027672, MeSH D009386, MONDO:0015356.
Familial cancer of breast. Also called: BREAST CANCER, FAMILIAL; hereditary breast carcinoma; Hereditary breast cancer. Identifiers: Orphanet 227535, MedGen C0346153, MONDO:0016419, OMIM 114480. Disease mechanism: loss of function.

Submissions (3):

Myriad Genetics, Inc.
Classification: Benign for Familial cancer of breast. Last evaluated: 2025-01-10. Review status: criteria provided, single submitter. Criteria: Myriad Autosomal Dominant, Autosomal Recessive and X-Linked Classification Criteria (2023). Collection method: clinical testing. Allele origin: unknown.
Comment: This variant is considered benign. This variant is a silent/synonymous amino acid change and it is not expected to impact splicing.

Labcorp Genetics (formerly Invitae), Labcorp
Classification: Likely benign for Familial cancer of breast. Last evaluated: 2023-04-24. Review status: criteria provided, single submitter. Criteria: Invitae Variant Classification Sherloc (09022015). Collection method: clinical testing. Allele origin: germline.

Color Diagnostics, LLC DBA Color Health
Classification: Likely benign for Hereditary cancer-predisposing syndrome. Last evaluated: 2019-12-04. Review status: criteria provided, single submitter. Criteria: ACMG Guidelines, 2015. Collection method: clinical testing. Allele origin: germline.

NM_024675.4(PALB2):c.684A>G (p.Gln228=)

Gene: PALB2 (partner and localizer of BRCA2; minus strand). Cytogenetic location: 16p12.2.
Variant type: single nucleotide variant.
Coding change: c.684A>G on transcript NM_024675.4 (MANE Select); coding-DNA position 684, A replaced by G.
Protein change: p.Gln228=; no amino-acid change (glutamine 228 retained).
Molecular consequence: synonymous variant.
Genome position (GRCh38, 1-based): chr16:23,635,862, T>C on the plus strand (A>G on the coding strand, the complement: PALB2 is on the minus strand). VCF-style: chr16-23635862-T-C. GRCh37 (hg19) VCF-style: chr16-23647183-T-C.
Identifiers: ClinVar variation 923179 (VCV000923179.12), dbSNP rs1967029347, ClinGen allele CA494461831.